The following is an entry in ClinVar:

ClinVar aggregate classification (germline): Conflicting classifications of pathogenicity. Review status: criteria provided, conflicting classifications (1 of 4 stars). 4 submissions from 4 submitters: Uncertain significance (3); Likely benign (1). Last evaluated 2024-08-12.

Allele frequency attached by ClinVar (database versions not stated): ExAC 0.00002; gnomAD 0.00004 and 0.00005; gnomAD exomes 0.00004 and 0.00008; TOPMed 0.00005; 1000 Genomes Project 30x 0.00016; 1000 Genomes Project 0.00020.
gnomAD v4.1: 117 of 1,613,254 alleles (0.0073%); highest among the groups gnomAD compares: Admixed American, 0.012%; no homozygotes.

Submissions (4):

Ambry Genetics
Classification: Uncertain significance. Last evaluated: 2024-08-12. Review status: criteria provided, single submitter. Criteria: Ambry Variant Classification Scheme 2023. Collection method: clinical testing. Allele origin: germline.

Blueprint Genetics
Classification: Uncertain significance. Last evaluated: 2023-01-03. Review status: criteria provided, single submitter. Criteria: ACMG Guidelines, 2015. Collection method: clinical testing. Allele origin: germline.

Labcorp Genetics (formerly Invitae), Labcorp
Classification: Uncertain significance. Last evaluated: 2022-10-25. Review status: criteria provided, single submitter. Criteria: Invitae Variant Classification Sherloc (09022015). Collection method: clinical testing. Allele origin: germline.
Comment: This sequence change replaces glycine, which is neutral and non-polar, with aspartic acid, which is acidic and polar, at codon 556 of the RUSC2 protein (p.Gly556Asp). This variant is present in population databases (rs200887792, gnomAD 0.01%). This variant has not been reported in the literature in individuals affected with RUSC2-related conditions. ClinVar contains an entry for this variant (Variation ID: 1363616). Algorithms developed to predict the effect of missense changes on protein structure and function are either unavailable or do not agree on the potential impact of this missense change (SIFT: "Tolerated"; PolyPhen-2: "Possibly Damaging"; Align-GVGD: "Class C15"). In summary, the available evidence is currently insufficient to determine the role of this variant in disease. Therefore, it has been classified as a Variant of Uncertain Significance.

CeGaT Center for Human Genetics Tuebingen
Classification: Likely benign. Last evaluated: 2022-07-01. Review status: criteria provided, single submitter. Criteria: CeGaT Center For Human Genetics Tuebingen Variant Classification Criteria Version 2. Collection method: clinical testing. Allele origin: germline. Affected: yes. Observed: 1 variant allele.
Comment: RUSC2: BP4

NM_014806.5(RUSC2):c.1667G>A (p.Gly556Asp)

Gene: RUSC2 (RUN and SH3 domain containing 2; plus strand). Cytogenetic location: 9p13.3.
Variant type: single nucleotide variant.
Coding change: c.1667G>A on transcript NM_014806.5 (MANE Select); coding-DNA position 1667, G replaced by A.
Protein change: p.Gly556Asp; replaces glycine 556 with aspartic acid.
Molecular consequence: missense variant. On other transcripts: non-coding transcript variant (1), intron variant (1).
Genome position (GRCh38, 1-based): chr9:35,548,188, G>A. VCF-style: chr9-35548188-G-A. GRCh37 (hg19) VCF-style: chr9-35548185-G-A.
Other names: c.1667G>A (NM_001135999.1); c.1667G>A, p.Gly556Asp (NM_001135999.2); c.-620-6872G>A (NM_001330740.2); short protein forms G556D.
Identifiers: ClinVar variation 1363616 (VCV001363616.29), dbSNP rs200887792, ClinGen allele CA5043705.
Genomic context (GRCh38, chr9:35,548,188, plus strand): 5'-CCCCACCCAGGAGGGTCACCTCCTTTGCCGAGCTGGCCAAGGGCCGGAAGAAAACTGGAG[G>A]CTCTGGCTCGCCCCCACTTCGTGTGAGTGTTGGGGACTCCTCCCAGGAGTTCTCACCCAT-3'
Protein context (NP_055621.2, residues 546-566): ELAKGRKKTG[Gly556Asp]SGSPPLRVSV